The following is an entry in ClinVar:

NM_022455.5(NSD1):c.1463A>T (p.Asp488Val)

Gene: NSD1 (nuclear receptor binding SET domain protein 1; plus strand). Cytogenetic location: 5q35.3.
Variant type: single nucleotide variant.
Coding change: c.1463A>T on transcript NM_022455.5 (MANE Select); coding-DNA position 1463, A replaced by T.
Protein change: p.Asp488Val; replaces aspartic acid 488 with valine.
Molecular consequence: missense variant.
Genome position (GRCh38, 1-based): chr5:177,209,862, A>T. VCF-style: chr5-177209862-A-T. GRCh37 (hg19) VCF-style: chr5-176636863-A-T.
Other names: c.1043A>T, p.Asp348Val (NM_001409304.1); c.710A>T, p.Asp237Val (NM_001409305.1); c.590A>T, p.Asp197Val (NM_001409306.1, NM_001409307.1, NM_001409308.1 and 3 more transcripts); c.1463A>T, p.Asp488Val (NM_001409301.1, NM_001409302.1, NM_001409303.1); short protein forms D197V, D348V, D488V, D237V.
Identifiers: ClinVar variation 3689747 (VCV003689747.2).
Genomic context (GRCh38, chr5:177,209,862, plus strand): 5'-ATGACCTGTTGCTTAATGGCTGTTTGAAATCACTGGCTTTTGATTCTGAACATTCTGCAG[A>T]TGAGAAGGAAAAGCCTTGCGCTAAATCTCGAGCCAGAAAGAGCTCTGATAATCCAAAAAG-3'
Protein context (NP_071900.2, residues 478-498): SLAFDSEHSA[Asp488Val]EKEKPCAKSR

ClinVar aggregate classification (germline): Uncertain significance (1 of 4 stars; one submission).

Submission:

Labcorp Genetics (formerly Invitae), Labcorp
Classification: Uncertain significance. Last evaluated: 2024-07-23. Review status: criteria provided, single submitter. Criteria: Invitae Variant Classification Sherloc (09022015). Collection method: clinical testing. Allele origin: germline.
Comment: This sequence change replaces aspartic acid, which is acidic and polar, with valine, which is neutral and non-polar, at codon 488 of the NSD1 protein (p.Asp488Val). This variant is not present in population databases (gnomAD no frequency). This variant has not been reported in the literature in individuals affected with NSD1-related conditions. Advanced modeling of protein sequence and biophysical properties (such as structural, functional, and spatial information, amino acid conservation, physicochemical variation, residue mobility, and thermodynamic stability) performed at Invitae indicates that this missense variant is not expected to disrupt NSD1 protein function with a negative predictive value of 95%. In summary, the available evidence is currently insufficient to determine the role of this variant in disease. Therefore, it has been classified as a Variant of Uncertain Significance.